The following is an entry in ClinVar:

NM_000090.4(COL3A1):c.853-12A>T

Gene: COL3A1 (collagen type III alpha 1 chain; plus strand). Cytogenetic location: 2q32.2.
Variant type: single nucleotide variant.
Coding change: c.853-12A>T on transcript NM_000090.4 (MANE Select); 12 bases into the intron before coding-DNA position 853, A replaced by T.
Molecular consequence: intron variant.
Genome position (GRCh38, 1-based): chr2:188,991,475, A>T. VCF-style: chr2-188991475-A-T. GRCh37 (hg19) VCF-style: chr2-189856201-A-T.
Identifiers: ClinVar variation 3386439 (VCV003386439.1).
Genomic context (GRCh38, chr2:188,991,475, plus strand): 5'-ATTCTGTATTTAAAAATATATAATATTTTCTTCCTCTTTTGTAAAATAGTAACATATTTT[A>T]TATGTATCTAGGGTGAAAATGGTCTTCCAGGCGAAAATGGAGCTCCTGGACCCATGGTAA-3'

ClinVar aggregate classification (germline): Likely benign (1 of 4 stars; one submission).

Conditions:
Ehlers-Danlos syndrome, type 4 (EDSVASC). Also called: Ehlers-Danlos syndrome vascular type; Ehlers Danlos syndrome, ecchymotic type; Ehlers Danlos syndrome, arterial type; Ehlers Danlos syndrome, Sack-Barabas type; Ehlers-Danlos Syndrome Type IV. Identifiers: Orphanet 286, MedGen C0268338, MONDO:0017314, OMIM 130050.

gnomAD v4.1: 1 of 1,569,630 alleles (0.000064%); highest among the groups gnomAD compares: Non-Finnish European, 0.000087%; no homozygotes.

Submission:

All of Us Research Program, National Institutes of Health
Classification: Likely benign for Ehlers-Danlos syndrome, type 4. Last evaluated: 2024-07-20. Review status: criteria provided, single submitter. Criteria: ACMG Guidelines, 2015. Collection method: clinical testing. Allele origin: germline. Inheritance: Autosomal dominant inheritance. Observed: 1 variant allele, 1 heterozygote.
Comment: This study involves interpretation of variants in research participants for the purpose of population health screening. Participant phenotype was not available at the time of variant classification. Additional details can be found in publication PMID: 35346344, PMCID: PMC8962531